The following is an entry in ClinVar:

ClinVar aggregate classification (germline): Uncertain significance (1 of 4 stars; one submission).

Conditions:
Microcephaly-intellectual disability-sensorineural hearing loss-epilepsy-abnormal muscle tone syndrome (NEDHSB). Also called: NEURODEVELOPMENTAL DISORDER WITH HEARING LOSS, SEIZURES, AND BRAIN ABNORMALITIES. Identifiers: Orphanet 457351, MedGen C4225276, MONDO:0014698, OMIM 616577.

Allele frequency attached by ClinVar (database versions not stated): gnomAD exomes below 0.00001; TOPMed below 0.00001; ExAC 0.00001.
gnomAD v4.1: 1 of 1,614,096 alleles (0.000062%); highest among the groups gnomAD compares: Non-Finnish European, 0.000085%; no homozygotes.

Submission:

Labcorp Genetics (formerly Invitae), Labcorp
Classification: Uncertain significance for Microcephaly-intellectual disability-sensorineural hearing loss-epilepsy-abnormal muscle tone syndrome. Last evaluated: 2022-08-22. Review status: criteria provided, single submitter. Criteria: Invitae Variant Classification Sherloc (09022015). Collection method: clinical testing. Allele origin: germline.
Comment: This sequence change replaces isoleucine, which is neutral and non-polar, with threonine, which is neutral and polar, at codon 629 of the SPATA5 protein (p.Ile629Thr). This variant is present in population databases (rs752332204, gnomAD 0.0009%). This variant has not been reported in the literature in individuals affected with SPATA5-related conditions. ClinVar contains an entry for this variant (Variation ID: 1365925). Advanced modeling of protein sequence and biophysical properties (such as structural, functional, and spatial information, amino acid conservation, physicochemical variation, residue mobility, and thermodynamic stability) performed at Invitae indicates that this missense variant is expected to disrupt SPATA5 protein function. In summary, the available evidence is currently insufficient to determine the role of this variant in disease. Therefore, it has been classified as a Variant of Uncertain Significance.

NM_145207.3(AFG2A):c.1886T>C (p.Ile629Thr)

Gene: AFG2A (AFG2 AAA ATPase homolog A; plus strand). Cytogenetic location: 4q28.1.
Variant type: single nucleotide variant.
Coding change: c.1886T>C on transcript NM_145207.3 (MANE Select); coding-DNA position 1886, T replaced by C.
Protein change: p.Ile629Thr; replaces isoleucine 629 with threonine.
Molecular consequence: missense variant.
Genome position (GRCh38, 1-based): chr4:123,028,202, T>C. VCF-style: chr4-123028202-T-C. GRCh37 (hg19) VCF-style: chr4-123949357-T-C.
Other names: c.1883T>C, p.Ile628Thr (NM_001317799.2, NM_001345856.2); short protein forms I628T, I629T.
Identifiers: ClinVar variation 1365925 (VCV001365925.3), dbSNP rs752332204, ClinGen allele CA3070574.
Genomic context (GRCh38, chr4:123,028,202, plus strand): 5'-TTGTCCTGGCAAAACTTATATTTGGAAAATGTTCTATTTTTCAGGTATCCTGGTCAGATA[T>C]AGGAGGACTGGAAAGTATCAAACTGAAGTTGGAACAGGCTGTGGAATGGCCCTTAAAACA-3'
Protein context (NP_660208.2, residues 619-639): IDVPNVSWSD[Ile629Thr]GGLESIKLKL